The following is an entry in ClinVar:

NM_000222.3(KIT):c.2846C>A (p.Pro949His)

Gene: KIT (KIT proto-oncogene, receptor tyrosine kinase; plus strand). Cytogenetic location: 4q12.
Variant type: single nucleotide variant.
Coding change: c.2846C>A on transcript NM_000222.3 (MANE Select); coding-DNA position 2846, C replaced by A.
Protein change: p.Pro949His; replaces proline 949 with histidine.
Molecular consequence: missense variant.
Genome position (GRCh38, 1-based): chr4:54,738,472, C>A. VCF-style: chr4-54738472-C-A. GRCh37 (hg19) VCF-style: chr4-55604638-C-A.
Other names: c.2834C>A, p.Pro945His (NM_001093772.2, NM_001385292.1); c.2849C>A, p.Pro950His (NM_001385284.1); c.2843C>A, p.Pro948His (NM_001385285.1); c.2831C>A, p.Pro944His (NM_001385286.1); c.2837C>A, p.Pro946His (NM_001385288.1); c.2846C>A, p.Pro949His (NM_001385290.1); short protein forms P944H, P945H, P946H, P948H, P949H, P950H.
Identifiers: ClinVar variation 1051674 (VCV001051674.11), dbSNP rs2109818619, ClinGen allele CA356916071.

ClinVar aggregate classification (germline): Conflicting classifications of pathogenicity. Review status: criteria provided, conflicting classifications (1 of 4 stars). 2 submissions from 2 submitters: Uncertain significance (1); Likely benign (1). Last evaluated 2025-11-19.

Conditions:
Gastrointestinal stromal tumor. Also called: Gastrointestinal stromal tumor, somatic; Gastrointestinal stroma tumor. Identifiers: Orphanet 44890, MedGen C0238198, MeSH D046152, MONDO:0011719, OMIM 606764, HP:0100723.
Hereditary cancer-predisposing syndrome. Also called: Tumor predisposition; Neoplastic Syndromes, Hereditary; Hereditary neoplastic syndrome; Hereditary Cancer Syndrome. Identifiers: Orphanet 140162, MedGen C0027672, MeSH D009386, MONDO:0015356.

Allele frequency attached by ClinVar (database versions not stated): gnomAD exomes below 0.00001.
gnomAD v4.1: 2 of 1,614,032 alleles (0.00012%); highest among the groups gnomAD compares: Non-Finnish European, 0.000085%; no homozygotes.

Submissions (2):

Ambry Genetics
Classification: Likely benign for Hereditary cancer-predisposing syndrome. Last evaluated: 2025-11-19. Review status: criteria provided, single submitter. Criteria: Ambry Variant Classification Scheme 2023. Collection method: clinical testing. Allele origin: germline.

Labcorp Genetics (formerly Invitae), Labcorp
Classification: Uncertain significance for Gastrointestinal stromal tumor. Last evaluated: 2024-10-27. Review status: criteria provided, single submitter. Criteria: Invitae Variant Classification Sherloc (09022015). Collection method: clinical testing. Allele origin: germline.
Comment: This sequence change replaces proline, which is neutral and non-polar, with histidine, which is basic and polar, at codon 949 of the KIT protein (p.Pro949His). This variant is not present in population databases (gnomAD no frequency). This variant has not been reported in the literature in individuals affected with KIT-related conditions. ClinVar contains an entry for this variant (Variation ID: 1051674). An algorithm developed to predict the effect of missense changes on protein structure and function (PolyPhen-2) suggests that this variant is likely to be disruptive. In summary, the available evidence is currently insufficient to determine the role of this variant in disease. Therefore, it has been classified as a Variant of Uncertain Significance.